The following is an entry in ClinVar:

NM_004370.6(COL12A1):c.4714C>A (p.Leu1572Met)

Gene: COL12A1 (collagen type XII alpha 1 chain; minus strand). Cytogenetic location: 6q13.
Variant type: single nucleotide variant.
Coding change: c.4714C>A on transcript NM_004370.6 (MANE Select); coding-DNA position 4714, C replaced by A.
Protein change: p.Leu1572Met; replaces leucine 1572 with methionine.
Molecular consequence: missense variant.
Genome position (GRCh38, 1-based): chr6:75,143,365, G>T on the plus strand (C>A on the coding strand, the complement: COL12A1 is on the minus strand). VCF-style: chr6-75143365-G-T. GRCh37 (hg19) VCF-style: chr6-75853081-G-T.
Other names: c.4714C>A, p.Leu1572Met (NM_001424113.1, NM_001424114.1); c.4441C>A, p.Leu1481Met (NM_001424115.1); c.1222C>A, p.Leu408Met (NM_001424116.1, NM_080645.3); short protein forms L1572M, L1481M, L408M.
Identifiers: ClinVar variation 2941208 (VCV002941208.3), dbSNP rs1199269734, ClinGen allele CA364742423.
Genomic context (GRCh38, chr6:75,143,365, plus strand): 5'-TTCCAGGCACAGGTTCCCAAAAGACATTCATAGTGCTGTGAGTCACATCTCTGAGTTTCA[G>T]ATCCTGAGGTCTGGGTAAAGGCACTAGAGAAGCACGAGATATTAAATCCAGATGTGCTTC-3'
Protein context (NP_004361.3, residues 1562-1582): VTLPLPRPQD[Leu1572Met]KLRDVTHSTM

ClinVar aggregate classification (germline): Uncertain significance (1 of 4 stars; one submission).

Conditions:
Ullrich congenital muscular dystrophy 2 (UCMD2). Identifiers: Orphanet 75840, MedGen C4225314, MONDO:0014654, OMIM 616470.
Bethlem myopathy 2 (BTHLM2). Identifiers: Orphanet 536516, Orphanet 610, MedGen C4225313, MONDO:0034022, OMIM 616471.

gnomAD v4.1: 3 of 1,613,696 alleles (0.00019%); highest among the groups gnomAD compares: Non-Finnish European, 0.00025%; no homozygotes.

Submission:

Labcorp Genetics (formerly Invitae), Labcorp
Classification: Uncertain significance for Bethlem myopathy 2; Ullrich congenital muscular dystrophy 2. Last evaluated: 2022-11-01. Review status: criteria provided, single submitter. Criteria: Invitae Variant Classification Sherloc (09022015). Collection method: clinical testing. Allele origin: germline.
Comment: In summary, the available evidence is currently insufficient to determine the role of this variant in disease. Therefore, it has been classified as a Variant of Uncertain Significance. Advanced modeling of protein sequence and biophysical properties (such as structural, functional, and spatial information, amino acid conservation, physicochemical variation, residue mobility, and thermodynamic stability) performed at Invitae indicates that this missense variant is not expected to disrupt COL12A1 protein function. This variant has not been reported in the literature in individuals affected with COL12A1-related conditions. The frequency data for this variant in the population databases is considered unreliable, as metrics indicate poor data quality at this position in the gnomAD database. This sequence change replaces leucine, which is neutral and non-polar, with methionine, which is neutral and non-polar, at codon 1572 of the COL12A1 protein (p.Leu1572Met).